The following is an entry in ClinVar:

ClinVar aggregate classification (germline): Uncertain significance (1 of 4 stars; one submission).

Conditions:
Mucopolysaccharidosis type 7 (MPS7). Also called: BETA-GLUCURONIDASE DEFICIENCY; SLY SYNDROME; GUSB DEFICIENCY; MPS VII. Identifiers: Orphanet 584, MedGen C0085132, MONDO:0009662, OMIM 253220.

Allele frequency attached by ClinVar (database versions not stated): gnomAD exomes below 0.00001 and 0.00001; TOPMed below 0.00001; ExAC 0.00001; gnomAD 0.00001.
gnomAD v4.1: 6 of 1,613,338 alleles (0.00037%); highest among the groups gnomAD compares: East Asian, 0.0089%; no homozygotes.

Submission:

Labcorp Genetics (formerly Invitae), Labcorp
Classification: Uncertain significance for Mucopolysaccharidosis type 7. Last evaluated: 2023-08-17. Review status: criteria provided, single submitter. Criteria: Invitae Variant Classification Sherloc (09022015). Collection method: clinical testing. Allele origin: germline.
Comment: In summary, the available evidence is currently insufficient to determine the role of this variant in disease. Therefore, it has been classified as a Variant of Uncertain Significance. Variants that disrupt the consensus splice site are a relatively common cause of aberrant splicing (PMID: 17576681, 9536098). Algorithms developed to predict the effect of sequence changes on RNA splicing suggest that this variant may create or strengthen a splice site. ClinVar contains an entry for this variant (Variation ID: 1371341). This variant has not been reported in the literature in individuals affected with GUSB-related conditions. This variant is present in population databases (rs778151820, gnomAD 0.01%). This sequence change falls in intron 6 of the GUSB gene. It does not directly change the encoded amino acid sequence of the GUSB protein. It affects a nucleotide within the consensus splice site.

Literature cited by the submitters: PubMed 17576681; PubMed 9536098.

NM_000181.4(GUSB):c.1065+4T>C

Gene: GUSB (glucuronidase beta; minus strand). Cytogenetic location: 7q11.21.
Variant type: single nucleotide variant.
Coding change: c.1065+4T>C on transcript NM_000181.4 (MANE Select); 4 bases into the intron after coding-DNA position 1065, T replaced by C.
Molecular consequence: intron variant.
Genome position (GRCh38, 1-based): chr7:65,974,915, A>G on the plus strand (T>C on the coding strand, the complement: GUSB is on the minus strand). VCF-style: chr7-65974915-A-G. GRCh37 (hg19) VCF-style: chr7-65439902-A-G.
Other names: c.408+4T>C (NM_001293105.2); c.495+4T>C (NM_001293104.2); c.627+4T>C (NM_001284290.2).
Identifiers: ClinVar variation 1371341 (VCV001371341.5), dbSNP rs778151820, ClinGen allele CA4276413.
Genomic context (GRCh38, chr7:65,974,915, plus strand): 5'-GGGAAGGCGAAAGTGGAGGGTGACCAGAAGCAGCCCCGACAAGGACCCAGGAGCCCCAAC[A>G]CACGTCCGCATCCTCATGCTTGTTGACACCGTGGAAATAGAAAGGTTTCCCATTGATGAG-3'